The following is an entry in ClinVar:

NM_031308.4(EPPK1):c.4776G>A (p.Arg1592=)

Gene: EPPK1 (epiplakin 1; minus strand). Cytogenetic location: 8q24.3.
Variant type: single nucleotide variant.
Coding change: c.4776G>A on transcript NM_031308.4 (MANE Select); coding-DNA position 4776, G replaced by A.
Protein change: p.Arg1592=; no amino-acid change (arginine 1592 retained).
Molecular consequence: synonymous variant.
Genome position (GRCh38, 1-based): chr8:143,868,478, C>T on the plus strand (G>A on the coding strand, the complement: EPPK1 is on the minus strand). VCF-style: chr8-143868478-C-T. GRCh37 (hg19) VCF-style: chr8-144942646-C-T.
Identifiers: ClinVar variation 4995390 (VCV004995390.1).

ClinVar aggregate classification (germline): Likely benign (1 of 4 stars; one submission).

Conditions:
EPPK1-related disorder. Also called: EPPK1-related condition.

Submission:

PreventionGenetics, part of Exact Sciences
Classification: Likely benign for EPPK1-related condition. Last evaluated: 2026-07-20. Review status: criteria provided, single submitter. Criteria: ACMG Guidelines, 2015. Collection method: clinical testing. Allele origin: germline.
Comment: This variant is classified as likely benign based on ACMG/AMP sequence variant interpretation guidelines (Richards et al. 2015 PMID: 25741868, with internal and published modifications).